The following is an entry in ClinVar:

ClinVar aggregate classification (germline): Uncertain significance. Review status: criteria provided, single submitter (1 of 4 stars). 2 submissions from 2 submitters: Uncertain significance (1). 1 of the submissions does not count toward it. Last evaluated 2022-11-01.

Conditions:
TBCK-related disorder. Also called: TBCK-related condition; TBCK-related disorders.

Allele frequency attached by ClinVar (database versions not stated): gnomAD 0.00001; ExAC 0.00002; TOPMed 0.00002; ESP Exome Variant Server 0.00008.
gnomAD v4.1: 30 of 1,614,002 alleles (0.0019%); highest among the groups gnomAD compares: Middle Eastern, 0.016%; 1 homozygote.

Submissions (2):

Labcorp Genetics (formerly Invitae), Labcorp
Classification: Uncertain significance. Last evaluated: 2022-11-01. Review status: criteria provided, single submitter. Criteria: Invitae Variant Classification Sherloc (09022015). Collection method: clinical testing. Allele origin: germline.
Comment: This sequence change replaces arginine, which is basic and polar, with histidine, which is basic and polar, at codon 41 of the TBCK protein (p.Arg41His). This variant is present in population databases (rs371985941, gnomAD 0.008%). This variant has not been reported in the literature in individuals affected with TBCK-related conditions. Advanced modeling of protein sequence and biophysical properties (such as structural, functional, and spatial information, amino acid conservation, physicochemical variation, residue mobility, and thermodynamic stability) has been performed at Invitae for this missense variant, however the output from this modeling did not meet the statistical confidence thresholds required to predict the impact of this variant on TBCK protein function. In summary, the available evidence is currently insufficient to determine the role of this variant in disease. Therefore, it has been classified as a Variant of Uncertain Significance.

PreventionGenetics, part of Exact Sciences
Classification: Uncertain significance for TBCK-related condition. Last evaluated: 2024-06-28. Review status: no assertion criteria provided. Collection method: clinical testing. Allele origin: germline. Not counted in ClinVar's aggregate classification.
Comment: The TBCK c.122G>A variant is predicted to result in the amino acid substitution p.Arg41His. To our knowledge, this variant has not been reported in the literature. This variant is reported in 0.0080% of alleles in individuals of African descent in gnomAD. At this time, the clinical significance of this variant is uncertain due to the absence of conclusive functional and genetic evidence.

NM_001163435.3(TBCK):c.122G>A (p.Arg41His)

Gene: TBCK (TBC1 domain containing kinase; minus strand). Cytogenetic location: 4q24.
Variant type: single nucleotide variant.
Coding change: c.122G>A on transcript NM_001163435.3 (MANE Select); coding-DNA position 122, G replaced by A.
Protein change: p.Arg41His; replaces arginine 41 with histidine.
Molecular consequence: missense variant. On other transcripts: 5 prime UTR variant (1).
Genome position (GRCh38, 1-based): chr4:106,308,839, C>T on the plus strand (G>A on the coding strand, the complement: TBCK is on the minus strand). VCF-style: chr4-106308839-C-T. GRCh37 (hg19) VCF-style: chr4-107229996-C-T.
Other names: c.122G>A, p.Arg41His (NM_001163436.4, NM_001163437.3, NM_033115.5); c.-496G>A (NM_001290768.2); c.122G>A (NM_001163435.2); short protein forms R41H.
Identifiers: ClinVar variation 2165008 (VCV002165008.2), dbSNP rs371985941, ClinGen allele CA3035537.
Genomic context (GRCh38, chr4:106,308,839, plus strand): 5'-CTAGAAATATCCACATACTGGCAGAGTCTGGGATGGGTGATGGTTTTAAGGATTTGAAAG[C>T]GCCCTAAAATTTTGATGGAATTTGGTGTGAGAGGAAGTCCATTGCTTCCACAAACATCAT-3'
Protein context (NP_001156907.2, residues 31-51): LTPNSIKILG[Arg41His]FQILKTITHP